The following is an entry in ClinVar:

ClinVar aggregate classification (germline): Uncertain significance (0 of 4 stars; one submission).

Conditions:
CHD3-related disorder. Also called: CHD3-related condition.

gnomAD v4.1: 1 of 1,613,182 alleles (0.000062%); highest among the groups gnomAD compares: Non-Finnish European, 0.000085%; no homozygotes.

Submission:

PreventionGenetics, part of Exact Sciences
Classification: Uncertain significance for CHD3-related condition. Last evaluated: 2024-03-06. Review status: no assertion criteria provided. Collection method: clinical testing. Allele origin: germline.
Comment: The CHD3 c.5879G>A variant is predicted to result in the amino acid substitution p.Arg1960His. To our knowledge, this variant has not been reported in the literature or in a large population database, indicating this variant is rare. At this time, the clinical significance of this variant is uncertain due to the absence of conclusive functional and genetic evidence.

NM_001005273.3(CHD3):c.5702G>A (p.Arg1901His)

Gene: CHD3 (chromodomain helicase DNA binding protein 3; plus strand). Cytogenetic location: 17p13.1.
Variant type: single nucleotide variant.
Coding change: c.5702G>A on transcript NM_001005273.3 (MANE Select); coding-DNA position 5702, G replaced by A.
Protein change: p.Arg1901His; replaces arginine 1901 with histidine.
Molecular consequence: missense variant.
Genome position (GRCh38, 1-based): chr17:7,910,539, G>A. VCF-style: chr17-7910539-G-A. GRCh37 (hg19) VCF-style: chr17-7813857-G-A.
Other names: c.5879G>A, p.Arg1960His (NM_001005271.3); c.5600G>A, p.Arg1867His (NM_005852.4); short protein forms R1867H, R1901H, R1960H.
Identifiers: ClinVar variation 3348807 (VCV003348807.1).